The following is an entry in ClinVar:

NM_001099403.2(PRDM8):c.647A>T (p.Gln216Leu)

Gene: PRDM8 (PR/SET domain 8; plus strand). Cytogenetic location: 4q21.21.
Variant type: single nucleotide variant.
Coding change: c.647A>T on transcript NM_001099403.2 (MANE Select); coding-DNA position 647, A replaced by T.
Protein change: p.Gln216Leu; replaces glutamine 216 with leucine.
Molecular consequence: missense variant.
Genome position (GRCh38, 1-based): chr4:80,202,109, A>T. VCF-style: chr4-80202109-A-T. GRCh37 (hg19) VCF-style: chr4-81123263-A-T.
Other names: c.647A>T, p.Gln216Leu (NM_020226.4); short protein forms Q216L.
Identifiers: ClinVar variation 652876 (VCV000652876.6), dbSNP rs766078819, ClinGen allele CA2982296.

ClinVar aggregate classification (germline): Uncertain significance (1 of 4 stars; one submission).

Conditions:
Early-onset Lafora body disease. Also called: Epilepsy, progressive myoclonic, 10. Identifiers: Orphanet 324290, MedGen C4225258, MONDO:0014717, OMIM 616640.

Allele frequency attached by ClinVar (database versions not stated): gnomAD exomes 0.00003 and 0.00004; ExAC 0.00004; gnomAD 0.00004 and 0.00005; 1000 Genomes Project 30x 0.00016; TOPMed 0.00004.
gnomAD v4.1: 64 of 1,606,326 alleles (0.004%); highest among the groups gnomAD compares: Admixed American, 0.01%; no homozygotes.

Submission:

Labcorp Genetics (formerly Invitae), Labcorp
Classification: Uncertain significance for Early-onset Lafora body disease. Last evaluated: 2022-05-18. Review status: criteria provided, single submitter. Criteria: Invitae Variant Classification Sherloc (09022015). Collection method: clinical testing. Allele origin: germline.
Comment: This sequence change replaces glutamine, which is neutral and polar, with leucine, which is neutral and non-polar, at codon 216 of the PRDM8 protein (p.Gln216Leu). The frequency data for this variant in the population databases is considered unreliable, as metrics indicate poor data quality at this position in the gnomAD database. This variant has not been reported in the literature in individuals affected with PRDM8-related conditions. ClinVar contains an entry for this variant (Variation ID: 652876). Algorithms developed to predict the effect of missense changes on protein structure and function (SIFT, PolyPhen-2, Align-GVGD) all suggest that this variant is likely to be tolerated. In summary, the available evidence is currently insufficient to determine the role of this variant in disease. Therefore, it has been classified as a Variant of Uncertain Significance.